The following is an entry in ClinVar:

ClinVar aggregate classification (germline): Uncertain significance (0 of 4 stars; one submission).

Conditions:
CREBBP-related disorder. Also called: CREBBP-related condition; CREBBP-related disorders.

gnomAD v4.1: 1 of 1,614,066 alleles (0.000062%); highest among the groups gnomAD compares: Non-Finnish European, 0.000085%; no homozygotes.

Submission:

PreventionGenetics, part of Exact Sciences
Classification: Uncertain significance for CREBBP-related condition. Last evaluated: 2024-04-16. Review status: no assertion criteria provided. Collection method: clinical testing. Allele origin: germline.
Comment: The CREBBP c.1238G>A variant is predicted to result in the amino acid substitution p.Arg413Gln. This variant was reported de novo in at least one individual with autism spectrum disorder (Iossifov et al. 2014. PubMed ID: 25363768; Lim et al. 2017. PubMed ID: 28714951). This same individual was also cited by additional sources (Li et al. 2017. PubMed ID: 28407358; Kosmicki et al. 2017. PubMed ID: 28191890; Turner et al. 2019. PubMed ID: 31785789; Satterstrom et al. 2020. PubMed ID: 31981491; Koire et al. 2021. PubMed ID: 34011629; Zhou et al. 2022. PubMed ID: 35982159; Fu et al. 2022. PubMed ID: 35982160). This variant has not been reported in a large population database, indicating this variant is rare. Although we suspect that this variant may be pathogenic, at this time, the clinical significance of this variant is uncertain due to the absence of conclusive functional and genetic evidence.

NM_004380.3(CREBBP):c.1238G>A (p.Arg413Gln)

Gene: CREBBP (CREB binding lysine acetyltransferase; minus strand). Cytogenetic location: 16p13.3.
Variant type: single nucleotide variant.
Coding change: c.1238G>A on transcript NM_004380.3 (MANE Select); coding-DNA position 1238, G replaced by A.
Protein change: p.Arg413Gln; replaces arginine 413 with glutamine.
Molecular consequence: missense variant. On other transcripts: intron variant (1).
Genome position (GRCh38, 1-based): chr16:3,792,073, C>T on the plus strand (G>A on the coding strand, the complement: CREBBP is on the minus strand). VCF-style: chr16-3792073-C-T. GRCh37 (hg19) VCF-style: chr16-3842074-C-T.
Other names: c.1216+1313G>A (NM_001079846.1); short protein forms R413Q.
Identifiers: ClinVar variation 3353399 (VCV003353399.1).
Genomic context (GRCh38, chr16:3,792,073, plus strand): 5'-AAAGGGAGGCAAACAGGACAGTCATGTCGTGTGCAGTTCTTCCAATGAGAGATGATTTGT[C>T]GTGAAGATGCACAATGGGCAACTATGACCAGAAAAACAACGAGATGTTATTTTTCTATCC-3'
Protein context (NP_004371.2, residues 403-423): ACQVAHCASS[Arg413Gln]QIISHWKNCT